The following is an entry in ClinVar:

ClinVar aggregate classification (germline): Uncertain significance (1 of 4 stars; one submission).

Submission:

Labcorp Genetics (formerly Invitae), Labcorp
Classification: Uncertain significance. Last evaluated: 2020-10-25. Review status: criteria provided, single submitter. Criteria: Invitae Variant Classification Sherloc (09022015). Collection method: clinical testing. Allele origin: germline.
Comment: This variant, c.4732_4734del, results in the deletion of 1 amino acid(s) of the POLE protein (p.Glu1578del), but otherwise preserves the integrity of the reading frame. This variant is not present in population databases (ExAC no frequency). This variant has not been reported in the literature in individuals with POLE-related conditions. Experimental studies and prediction algorithms are not available or were not evaluated, and the functional significance of this variant is currently unknown. In summary, the available evidence is currently insufficient to determine the role of this variant in disease. Therefore, it has been classified as a Variant of Uncertain Significance.

NM_006231.4(POLE):c.4732_4734del (p.Glu1578del)

Gene: POLE (DNA polymerase epsilon, catalytic subunit; minus strand). Cytogenetic location: 12q24.33.
Variant type: Microsatellite.
Coding change: c.4732_4734del on transcript NM_006231.4; coding-DNA positions 4732 to 4734, 3 bases deleted (GAG; older notation c.4732_4734delGAG).
Protein change: p.Glu1578del; deletes glutamic acid 1578.
Genome position (GRCh38, 1-based): chr12:132,642,724-132,642,726, CTC deleted on the plus strand (GAG on the coding strand, the reverse complement: POLE is on the minus strand); deleting any 3 consecutive bases within chr12:132,642,724-132,642,731 gives the same sequence; the c. name uses the placement nearest the transcript's 3' end. VCF-style (leftmost placement, unchanged base first): chr12-132642723-GCTC-G. GRCh37 (hg19) VCF-style: chr12-133219309-GCTC-G.
Identifiers: ClinVar variation 1001842 (VCV001001842.8), dbSNP rs2042177597, ClinGen allele CA2072988525.